The following is an entry in ClinVar:

ClinVar aggregate classification (germline): Uncertain significance (1 of 4 stars; one submission).

Submission:

CeGaT Center for Human Genetics Tuebingen
Classification: Uncertain significance. Last evaluated: 2026-02-01. Review status: criteria provided, single submitter. Criteria: CeGaT Center For Human Genetics Tuebingen Variant Classification Criteria Version 2. Collection method: clinical testing. Allele origin: germline. Affected: yes. Observed: 1 variant allele.
Comment: SMC3: PM1, PM2, PM4:Supporting

NM_005445.4(SMC3):c.1684_1686del (p.Ile562del)

Gene: SMC3 (structural maintenance of chromosomes 3; plus strand). Cytogenetic location: 10q25.2.
Variant type: Deletion.
Coding change: c.1684_1686del on transcript NM_005445.4 (MANE Select); coding-DNA positions 1684 to 1686, 3 bases deleted (ATT; older notation c.1684_1686delATT).
Protein change: p.Ile562del; deletes isoleucine 562.
Molecular consequence: inframe deletion.
Genome position (GRCh38, 1-based): chr10:110,591,004-110,591,006, ATT deleted. VCF-style (leftmost placement, unchanged base first): chr10-110591003-CATT-C. GRCh37 (hg19) VCF-style: chr10-112350761-CATT-C.
Other names: short protein forms I562del.
Identifiers: ClinVar variation 4823400 (VCV004823400.4).